The following is an entry in ClinVar:

NM_001943.5(DSG2):c.*1530T>C

Genes: DSG2-AS1 (DSG2 antisense RNA 1; minus strand), DSG2 (desmoglein 2; plus strand). Cytogenetic location: 18q12.1.
Variant type: single nucleotide variant.
Coding change: c.*1530T>C on transcript NM_001943.5 (MANE Select); 1530 bases downstream of the stop codon, T replaced by C.
Molecular consequence: 3 prime UTR variant.
Genome position (GRCh38, 1-based): chr18:31,548,273, T>C. VCF-style: chr18-31548273-T-C. GRCh37 (hg19) VCF-style: chr18-29128236-T-C.
Other names: c.*1530T>C (LRG_397t1).
Identifiers: ClinVar variation 326533 (VCV000326533.36), dbSNP rs15668, ClinGen allele CA10641393.
Genomic context (GRCh38, chr18:31,548,273, plus strand): 5'-TTTGGGTTATCTCCTAAATAGGTTATATTTTATTGCTTCTAGAAACAATGTTTCAAAATA[T>C]ATGTGCATTATCAGTAATAATTTGTATAAATATTTCCCACAACAATTTTCATAATTTTCA-3'

ClinVar aggregate classification (germline): Conflicting classifications of pathogenicity. Review status: criteria provided, conflicting classifications (1 of 4 stars). 2 submissions from 2 submitters: Uncertain significance (1); Benign (1). Last evaluated 2022-07-01.

Conditions:
Arrhythmogenic right ventricular dysplasia 10. Also called: Arrhythmogenic Right Ventricular Dysplasia/Cardiomyopathy10; Arrhythmogenic right ventricular dysplasia/cardiomyopathy, type 10; ARRHYTHMOGENIC RIGHT VENTRICULAR DYSPLASIA, FAMILIAL, 10. Identifiers: MedGen C1857777, MONDO:0012434, OMIM 610193.

Allele frequency attached by ClinVar (database versions not stated): 1000 Genomes Project 0.00040; 1000 Genomes Project 30x 0.00078; gnomAD 0.00099 and 0.00126; TOPMed 0.00151.

Submissions (2):

CeGaT Center for Human Genetics Tuebingen
Classification: Benign. Last evaluated: 2022-07-01. Review status: criteria provided, single submitter. Criteria: CeGaT Center For Human Genetics Tuebingen Variant Classification Criteria Version 2. Collection method: clinical testing. Allele origin: germline. Affected: yes. Observed: 2 variant alleles.
Comment: DSG2: BS1, BS2

Illumina Laboratory Services, Illumina
Classification: Uncertain significance for Arrhythmogenic right ventricular dysplasia 10. Last evaluated: 2018-01-13. Review status: criteria provided, single submitter. Criteria: ICSL Variant Classification Criteria 13 December 2019. Collection method: clinical testing. Allele origin: germline.